The following is an entry in ClinVar:

ClinVar aggregate classification (germline): Uncertain significance (1 of 4 stars; one submission).

Conditions:
Shprintzen-Goldberg syndrome (SGS). Also called: SHPRINTZEN-GOLDBERG CRANIOSYNOSTOSIS SYNDROME; CRANIOSYNOSTOSIS WITH ARACHNODACTYLY AND ABDOMINAL HERNIAS; Marfanoid disorder with craniosynostosis type 1; Marfanoid craniosynostosis syndrome; Shprintzen-Goldberg marfanoid syndrome. Identifiers: Orphanet 2462, MedGen C1321551, MONDO:0008426, OMIM 182212.

Submission:

Labcorp Genetics (formerly Invitae), Labcorp
Classification: Uncertain significance for Shprintzen-Goldberg syndrome. Last evaluated: 2021-12-27. Review status: criteria provided, single submitter. Criteria: Invitae Variant Classification Sherloc (09022015). Collection method: clinical testing. Allele origin: germline.
Comment: In summary, the available evidence is currently insufficient to determine the role of this variant in disease. Therefore, it has been classified as a Variant of Uncertain Significance. Algorithms developed to predict the effect of sequence changes on RNA splicing suggest that this variant may create or strengthen a splice site. This variant has not been reported in the literature in individuals affected with SKI-related conditions. This variant is not present in population databases (gnomAD no frequency). This variant, c.173_178dup, results in the insertion of 2 amino acid(s) of the SKI protein (p.Ala58_Ala59dup), but otherwise preserves the integrity of the reading frame.

NM_003036.4(SKI):c.173_178dup (p.Ala59_Val60insAlaAla)

Gene: SKI (SKI proto-oncogene; plus strand). Cytogenetic location: 1p36.33.
Variant type: Duplication.
Coding change: c.173_178dup on transcript NM_003036.4 (MANE Select); coding-DNA positions 173 to 178, 6 bases duplicated (CCGCGG; older notation c.173_178dupCCGCGG).
Protein change: p.Ala59_Val60insAlaAla.
Molecular consequence: inframe insertion.
Genome position (GRCh38, 1-based): chr1:2,228,939-2,228,944, CCGCGG duplicated; duplicating any 6 consecutive bases within chr1:2,228,934-2,228,944 gives the same sequence; the c. name uses the placement nearest the transcript's 3' end. VCF-style (leftmost placement, unchanged base first): chr1-2228933-G-GCGCGGC. GRCh37 (hg19) VCF-style: chr1-2160372-G-GCGCGGC.
Identifiers: ClinVar variation 2057587 (VCV002057587.4), dbSNP rs1210262503, ClinGen allele CA731943287.